The following is an entry in ClinVar:

NM_002528.7(NTHL1):c.628G>A (p.Gly210Arg)

Gene: NTHL1 (nth like DNA glycosylase 1; minus strand). Cytogenetic location: 16p13.3.
Variant type: single nucleotide variant.
Coding change: c.628G>A on transcript NM_002528.7 (MANE Select); coding-DNA position 628, G replaced by A.
Protein change: p.Gly210Arg; replaces glycine 210 with arginine.
Molecular consequence: missense variant.
Genome position (GRCh38, 1-based): chr16:2,043,624, C>T on the plus strand (G>A on the coding strand, the complement: NTHL1 is on the minus strand). VCF-style: chr16-2043624-C-T. GRCh37 (hg19) VCF-style: chr16-2093625-C-T.
Other names: c.457G>A, p.Gly153Arg (NM_001318193.2); c.298G>A, p.Gly100Arg (NM_001318194.2); c.652G>A (NM_002528.5); short protein forms G153R, G210R, G100R.
Identifiers: ClinVar variation 4728608 (VCV004728608.2).

ClinVar aggregate classification (germline): Uncertain significance. Review status: criteria provided, multiple submitters, no conflicts (2 of 4 stars). 2 submissions from 2 submitters: Uncertain significance (2). Last evaluated 2026-04-02.

Conditions:
Hereditary cancer-predisposing syndrome. Also called: Neoplastic Syndromes, Hereditary; Tumor predisposition; Hereditary Cancer Syndrome; Hereditary neoplastic syndrome. Identifiers: Orphanet 140162, MedGen C0027672, MeSH D009386, MONDO:0015356.

Submissions (2):

Ambry Genetics
Classification: Uncertain significance for Hereditary cancer-predisposing syndrome. Last evaluated: 2026-04-02. Review status: criteria provided, single submitter. Criteria: Ambry Variant Classification Scheme 2023. Collection method: clinical testing. Allele origin: germline.
Comment: The p.G218R variant (also known as c.652G>A), located in coding exon 4 of the NTHL1 gene, results from a G to A substitution at nucleotide position 652. The glycine at codon 218 is replaced by arginine, an amino acid with dissimilar properties. This amino acid position is conserved. In addition, this alteration is predicted to be deleterious by in silico analysis. Based on the available evidence, the clinical significance of this variant remains unclear.

Labcorp Genetics (formerly Invitae), Labcorp
Classification: Uncertain significance. Last evaluated: 2025-10-07. Review status: criteria provided, single submitter. Criteria: Invitae Variant Classification Sherloc (09022015). Collection method: clinical testing. Allele origin: germline.
Comment: This sequence change replaces glycine, which is neutral and non-polar, with arginine, which is basic and polar, at codon 218 of the NTHL1 protein (p.Gly218Arg). This variant is not present in population databases (gnomAD no frequency). This variant has not been reported in the literature in individuals affected with NTHL1-related conditions. An algorithm developed to predict the effect of missense changes on protein structure and function (PolyPhen-2) suggests that this variant is likely to be disruptive. In summary, the available evidence is currently insufficient to determine the role of this variant in disease. Therefore, it has been classified as a Variant of Uncertain Significance.